The following is an entry in ClinVar:

NM_182914.3(SYNE2):c.8516T>G (p.Phe2839Cys)

Gene: SYNE2 (spectrin repeat containing nuclear envelope protein 2; plus strand). Cytogenetic location: 14q23.2.
Variant type: single nucleotide variant.
Coding change: c.8516T>G on transcript NM_182914.3 (MANE Select); coding-DNA position 8516, T replaced by G.
Protein change: p.Phe2839Cys; replaces phenylalanine 2839 with cysteine.
Molecular consequence: missense variant.
Genome position (GRCh38, 1-based): chr14:64,052,429, T>G. VCF-style: chr14-64052429-T-G. GRCh37 (hg19) VCF-style: chr14-64519147-T-G.
Other names: c.8516T>G, p.Phe2839Cys (NM_015180.6); short protein forms F2839C.
Identifiers: ClinVar variation 3709735 (VCV003709735.2).
Genomic context (GRCh38, chr14:64,052,429, plus strand): 5'-TTTTAAAATCAACTCAAAGATCACAGCAATTAGAATTTAAGTTGGAAGAAAGAAGCAATT[T>G]TTTTGCTATAATAAGGAAGTTTCAACTTATGGTTCAAGAAAGTGAAACACTGATAATTCC-3'
Protein context (NP_878918.2, residues 2829-2849): LEFKLEERSN[Phe2839Cys]FAIIRKFQLM

ClinVar aggregate classification (germline): Uncertain significance (1 of 4 stars; one submission).

Conditions:
Emery-Dreifuss muscular dystrophy 5, autosomal dominant (EDMD5). Also called: EMERY-DREIFUSS MUSCULAR DYSTROPHY 5. Identifiers: Orphanet 261, MedGen C2751805, MONDO:0013072, OMIM 612999.

gnomAD v4.1: 1 of 1,613,078 alleles (0.000062%); highest among the groups gnomAD compares: Non-Finnish European, 0.000085%; no homozygotes.

Submission:

Labcorp Genetics (formerly Invitae), Labcorp
Classification: Uncertain significance for Emery-Dreifuss muscular dystrophy 5, autosomal dominant. Last evaluated: 2024-11-17. Review status: criteria provided, single submitter. Criteria: Invitae Variant Classification Sherloc (09022015). Collection method: clinical testing. Allele origin: germline.
Comment: This sequence change replaces phenylalanine, which is neutral and non-polar, with cysteine, which is neutral and slightly polar, at codon 2839 of the SYNE2 protein (p.Phe2839Cys). This variant is present in population databases (rs748318612, gnomAD 0.007%). This variant has not been reported in the literature in individuals affected with SYNE2-related conditions. An algorithm developed to predict the effect of missense changes on protein structure and function (PolyPhen-2) suggests that this variant is likely to be disruptive. In summary, the available evidence is currently insufficient to determine the role of this variant in disease. Therefore, it has been classified as a Variant of Uncertain Significance.